The following is an entry in ClinVar:

NM_002529.4(NTRK1):c.1804del (p.Arg602fs)

Gene: NTRK1 (neurotrophic receptor tyrosine kinase 1; plus strand). Cytogenetic location: 1q23.1.
Variant type: Deletion.
Coding change: c.1804del on transcript NM_002529.4 (MANE Select); coding-DNA position 1804, one base deleted (C; older notation c.1804delC).
Protein change: p.Arg602fs; shifts the reading frame from arginine 602.
Molecular consequence: frameshift variant.
Genome position (GRCh38, 1-based): chr1:156,876,571, C deleted; the last of 2 consecutive C bases (chr1:156,876,570-156,876,571); deleting either gives the same sequence. VCF-style (leftmost placement, unchanged base first): chr1-156876569-TC-T. GRCh37 (hg19) VCF-style: chr1-156846361-TC-T.
Other names: c.1696del, p.Arg566fs (NM_001007792.1); c.1786del, p.Arg596fs (NM_001012331.2); short protein forms R596fs, R602fs, R566fs.
Identifiers: ClinVar variation 1388110 (VCV001388110.6), dbSNP rs2102920143, ClinGen allele CA2573131106.

ClinVar aggregate classification (germline): Pathogenic (1 of 4 stars; one submission).

Conditions:
Hereditary insensitivity to pain with anhidrosis (CIPA). Also called: INSENSITIVITY TO PAIN, CONGENITAL, WITH ANHIDROSIS; hereditary sensory and autonomic neuropathy type 4; HSAN Type IV; NEUROPATHY, CONGENITAL SENSORY, WITH ANHIDROSIS; NTRK1 Congenital Insensitivity to Pain with Anhidrosis; FAMILIAL DYSAUTONOMIA, TYPE II. Identifiers: Orphanet 642, MedGen C0020074, MONDO:0009746, OMIM 256800.

Submission:

Labcorp Genetics (formerly Invitae), Labcorp
Classification: Pathogenic for Hereditary insensitivity to pain with anhidrosis. Last evaluated: 2021-09-06. Review status: criteria provided, single submitter. Criteria: Invitae Variant Classification Sherloc (09022015). Collection method: clinical testing. Allele origin: germline.
Comment: For these reasons, this variant has been classified as Pathogenic. Algorithms developed to predict the effect of sequence changes on RNA splicing suggest that this variant may disrupt the consensus splice site. This sequence change creates a premature translational stop signal (p.Arg596Aspfs*56) in the NTRK1 gene. It is expected to result in an absent or disrupted protein product. Loss-of-function variants in NTRK1 are known to be pathogenic (PMID: 10982191). This variant is not present in population databases (ExAC no frequency). This variant has not been reported in the literature in individuals affected with NTRK1-related conditions.

Literature cited by the submitters: PubMed 10982191.